The following is an entry in ClinVar:

ClinVar aggregate classification (germline): Likely pathogenic. Review status: criteria provided, multiple submitters, no conflicts (2 of 4 stars). 2 submissions from 2 submitters: Likely pathogenic (2). Last evaluated 2024-06-12.

Conditions:
UDPglucose-4-epimerase deficiency. Also called: UDPglucose 4-Epimerase Deficiency Disease; Epimerase Deficiency Galactosemia; GALACTOSEMIA III; GALE DEFICIENCY; UDP-GALACTOSE-4-EPIMERASE DEFICIENCY; Galactose epimerase deficiency. Identifiers: Orphanet 352, Orphanet 79238, MedGen C0751161, MONDO:0009257, OMIM 230350.
Thrombocytopenia 13, syndromic. Also called: THROMBOCYTOPENIA, AUTOSOMAL RECESSIVE, 13. Identifiers: MedGen C5935599, MONDO:0958333, OMIM 620776.

Submissions (2):

Fulgent Genetics
Classification: Likely pathogenic for UDPglucose-4-epimerase deficiency; Thrombocytopenia 13, syndromic. Last evaluated: 2024-06-12. Review status: criteria provided, single submitter. Criteria: ACMG Guidelines, 2015. Collection method: clinical testing. Allele origin: germline.

Labcorp Genetics (formerly Invitae), Labcorp
Classification: Likely pathogenic for UDPglucose-4-epimerase deficiency. Last evaluated: 2023-11-01. Review status: criteria provided, single submitter. Criteria: Invitae Variant Classification Sherloc (09022015). Collection method: clinical testing. Allele origin: germline.
Comment: This sequence change affects a splice site in intron 3 of the GALE gene. It is expected to disrupt RNA splicing. Variants that disrupt the donor or acceptor splice site typically lead to a loss of protein function (PMID: 16199547), and loss-of-function variants in GALE are known to be pathogenic (PMID: 16301867). This variant is not present in population databases (gnomAD no frequency). This variant has not been reported in the literature in individuals affected with GALE-related conditions. Algorithms developed to predict the effect of sequence changes on RNA splicing suggest that this variant may disrupt the consensus splice site. In summary, the currently available evidence indicates that the variant is pathogenic, but additional data are needed to prove that conclusively. Therefore, this variant has been classified as Likely Pathogenic.

Literature cited by the submitters: PubMed 16199547 (cited by Labcorp Genetics (formerly Invitae), Labcorp); PubMed 16301867 (cited by Labcorp Genetics (formerly Invitae), Labcorp).

NM_001008216.2(GALE):c.122-11_122-1del

Gene: GALE (UDP-galactose-4-epimerase; minus strand). Cytogenetic location: 1p36.11.
Variant type: Deletion.
Coding change: c.122-11_122-1del on transcript NM_001008216.2 (MANE Select); 11 bases into the intron before coding-DNA position 122 through the canonical splice acceptor site of the intron before coding-DNA position 122, 11 bases deleted (TACCCTACCAG).
Molecular consequence: splice acceptor variant.
Genome position (GRCh38, 1-based): chr1:23,798,731-23,798,741, CTGGTAGGGTA deleted on the plus strand (TACCCTACCAG on the coding strand, the reverse complement: GALE is on the minus strand); deleting any 11 consecutive bases within chr1:23,798,731-23,798,742 gives the same sequence; the c. name uses the placement nearest the transcript's 3' end. VCF-style (leftmost placement, unchanged base first): chr1-23798730-CCTGGTAGGGTA-C. GRCh37 (hg19) VCF-style: chr1-24125220-CCTGGTAGGGTA-C.
Other names: c.122-11_122-1del (NM_000403.4, NM_001127621.2).
Identifiers: ClinVar variation 2876477 (VCV002876477.5), dbSNP rs747715399, ClinGen allele CA685781.
Genomic context (GRCh38, chr1:23,798,730, plus strand): 5'-TCCACAGAGCGGCCTGTCAGCTCCTGGACCCGCCGCAGGCTCTCAGGCAGGGAGCCCCCT[CCTGGTAGGGTA>C]CATGTAGGCCACATCATCACGACATGGGGTGCTGTGTTCCCAGGGACTAGCCAGACACAC-3'